The following is an entry in ClinVar:

ClinVar aggregate classification (germline): Uncertain significance (1 of 4 stars; one submission).

Submission:

GeneDx
Classification: Uncertain significance. Last evaluated: 2023-11-19. Review status: criteria provided, single submitter. Criteria: GeneDx Variant Classification Process June 2021. Collection method: clinical testing. Allele origin: germline. Affected: yes.
Comment: Not observed at significant frequency in large population cohorts (gnomAD); In silico analysis supports that this missense variant does not alter protein structure/function; Has not been previously published as pathogenic or benign to our knowledge

NM_001080517.3(SETD5):c.79T>A (p.Ser27Thr)

Gene: SETD5 (SET domain containing 5; plus strand). Cytogenetic location: 3p25.3.
Variant type: single nucleotide variant.
Coding change: c.79T>A on transcript NM_001080517.3 (MANE Select); coding-DNA position 79, T replaced by A.
Protein change: p.Ser27Thr; replaces serine 27 with threonine.
Molecular consequence: missense variant. On other transcripts: 5 prime UTR variant (2).
Genome position (GRCh38, 1-based): chr3:9,433,852, T>A. VCF-style: chr3-9433852-T-A. GRCh37 (hg19) VCF-style: chr3-9475536-T-A.
Other names: c.-255T>A (NM_001292043.2); c.-296T>A (NM_001349451.2); short protein forms S27T.
Identifiers: ClinVar variation 3364491 (VCV003364491.1).